The following is an entry in ClinVar:

ClinVar aggregate classification (germline): Benign. Review status: criteria provided, multiple submitters, no conflicts (2 of 4 stars). 3 submissions from 3 submitters: Benign (2). 1 of the submissions does not count toward it. Last evaluated 2021-05-04.

Conditions:
CTNND1-related disorder. Also called: CTNND1-related condition.

Allele frequency attached by ClinVar (database versions not stated): 1000 Genomes Project 0.05192; ESP Exome Variant Server 0.05219; 1000 Genomes Project 30x 0.05497; TOPMed 0.05541; gnomAD exomes 0.01181; ExAC 0.01674.
gnomAD v4.1: 14,512 of 1,611,510 alleles (0.9%); highest among the groups gnomAD compares: African/African-American, 17%; 1,212 homozygotes.

Submissions (3):

GeneDx
Classification: Benign. Last evaluated: 2021-05-04. Review status: criteria provided, single submitter. Criteria: GeneDx Variant Classification Process June 2021. Collection method: clinical testing. Allele origin: germline. Affected: yes.

Breakthrough Genomics
Classification: Benign. Review status: criteria provided, single submitter. Criteria: ACMG Guidelines, 2015. Collection method: not provided. Allele origin: germline. Inheritance: Autosomal dominant inheritance. Affected: yes.

PreventionGenetics, part of Exact Sciences
Classification: Benign for CTNND1-related condition. Last evaluated: 2019-10-16. Review status: no assertion criteria provided. Collection method: clinical testing. Allele origin: germline. Not counted in ClinVar's aggregate classification.
Comment: This variant is classified as benign based on ACMG/AMP sequence variant interpretation guidelines (Richards et al. 2015 PMID: 25741868, with internal and published modifications).

NM_001085458.2(CTNND1):c.2744G>A (p.Arg915Lys)

Genes: CTNND1 (catenin delta 1; plus strand), TMX2-CTNND1 (TMX2-CTNND1 readthrough (NMD candidate); plus strand). Cytogenetic location: 11q12.1.
Variant type: single nucleotide variant.
Coding change: c.2744G>A on transcript NM_001085458.2 (MANE Select); coding-DNA position 2744, G replaced by A.
Protein change: p.Arg915Lys; replaces arginine 915 with lysine.
Molecular consequence: missense variant. On other transcripts: non-coding transcript variant (1).
Genome position (GRCh38, 1-based): chr11:57,815,436, G>A. VCF-style: chr11-57815436-G-A. GRCh37 (hg19) VCF-style: chr11-57582908-G-A.
Other names: c.2726G>A, p.Arg909Lys (NM_001085459.2, NM_001085460.2, NM_001085461.2 and 1 more transcripts); c.2441G>A, p.Arg814Lys (NM_001085463.2, NM_001085466.2); c.2423G>A, p.Arg808Lys (NM_001085464.2, NM_001085467.2, NM_001085468.2 and 2 more transcripts); c.2360G>A, p.Arg787Lys (NM_001085465.2); c.2582G>A, p.Arg861Lys (NM_001206883.2, NM_001206884.2); c.2744G>A, p.Arg915Lys (NM_001206885.2); c.2564G>A, p.Arg855Lys (NM_001206886.2, NM_001206888.2, NM_001206889.2 and 1 more transcripts); c.2501G>A, p.Arg834Lys (NM_001206887.2); and 1 more; short protein forms R787K, R808K, R814K, R834K, R855K, R861K, R888K, R909K.
Identifiers: ClinVar variation 1281001 (VCV001281001.4), dbSNP rs11570222, ClinGen allele CA6010767.